The following is an entry in ClinVar:

NM_053025.4(MYLK):c.3260A>G (p.Asn1087Ser)

Gene: MYLK (myosin light chain kinase; minus strand). Cytogenetic location: 3q21.1.
Variant type: single nucleotide variant.
Coding change: c.3260A>G on transcript NM_053025.4 (MANE Select); coding-DNA position 3260, A replaced by G.
Protein change: p.Asn1087Ser; replaces asparagine 1087 with serine.
Molecular consequence: missense variant.
Genome position (GRCh38, 1-based): chr3:123,700,208, T>C on the plus strand (A>G on the coding strand, the complement: MYLK is on the minus strand). VCF-style: chr3-123700208-T-C. GRCh37 (hg19) VCF-style: chr3-123419055-T-C.
Other names: c.2732A>G, p.Asn911Ser (NM_001321309.2); c.3053A>G, p.Asn1018Ser (NM_053026.4, NM_053028.4); c.3260A>G, p.Asn1087Ser (NM_053027.4); short protein forms N1018S, N1087S, N911S.
Identifiers: ClinVar variation 3061488 (VCV003061488.2), dbSNP rs1409950058, ClinGen allele CA354229670.

ClinVar aggregate classification (germline): Uncertain significance (0 of 4 stars; one submission).

Conditions:
MYLK-related disorder. Also called: MYLK-related condition.

Allele frequency attached by ClinVar (database versions not stated): gnomAD exomes below 0.00001.
gnomAD v4.1: 2 of 1,613,976 alleles (0.00012%); highest among the groups gnomAD compares: Non-Finnish European, 0.00017%; no homozygotes.

Submission:

PreventionGenetics, part of Exact Sciences
Classification: Uncertain significance for MYLK-related condition. Last evaluated: 2023-12-14. Review status: no assertion criteria provided. Collection method: clinical testing. Allele origin: germline.
Comment: The MYLK c.3260A>G variant is predicted to result in the amino acid substitution p.Asn1087Ser. To our knowledge, this variant has not been reported in the literature or in a large population database, indicating this variant is rare. At this time, the clinical significance of this variant is uncertain due to the absence of conclusive functional and genetic evidence.